The following is an entry in ClinVar:

ClinVar aggregate classification (germline): Likely benign. Review status: criteria provided, multiple submitters, no conflicts (2 of 4 stars). 3 submissions from 3 submitters: Likely benign (3). Last evaluated 2025-10-21.

Allele frequency attached by ClinVar (database versions not stated): gnomAD exomes 0.00001 and 0.00002; ExAC 0.00002; gnomAD 0.00006 and 0.00009; TOPMed 0.00010; ESP Exome Variant Server 0.00023.
gnomAD v4.1: 21 of 1,614,026 alleles (0.0013%); highest among the groups gnomAD compares: African/African-American, 0.02%; no homozygotes.

Submissions (3):

Athena Diagnostics
Classification: Likely benign. Last evaluated: 2025-10-21. Review status: criteria provided, single submitter. Criteria: Athena Diagnostics Criteria. Collection method: clinical testing. Allele origin: unknown.
Comment: Computational tools yielded predictions that this variant is unlikely to have an effect on normal RNA splicing. This nucleotide position exhibits low evolutionary conservation.

Women's Health and Genetics/Laboratory Corporation of America, LabCorp
Classification: Likely benign. Last evaluated: 2025-03-04. Review status: criteria provided, single submitter. Criteria: LabCorp Variant Classification Summary - May 2015. Collection method: clinical testing. Allele origin: germline.

Labcorp Genetics (formerly Invitae), Labcorp
Classification: Likely benign. Last evaluated: 2024-03-03. Review status: criteria provided, single submitter. Criteria: Invitae Variant Classification Sherloc (09022015). Collection method: clinical testing. Allele origin: germline.

NM_000497.4(CYP11B1):c.369T>C (p.Arg123=)

Gene: CYP11B1 (cytochrome P450 family 11 subfamily B member 1; minus strand). Cytogenetic location: 8q24.3.
Variant type: single nucleotide variant.
Coding change: c.369T>C on transcript NM_000497.4 (MANE Select); coding-DNA position 369, T replaced by C.
Protein change: p.Arg123=; no amino-acid change (arginine 123 retained).
Molecular consequence: synonymous variant.
Genome position (GRCh38, 1-based): chr8:142,879,058, A>G on the plus strand (T>C on the coding strand, the complement: CYP11B1 is on the minus strand). VCF-style: chr8-142879058-A-G. GRCh37 (hg19) VCF-style: chr8-143960474-A-G.
Other names: c.369T>C, p.Arg123= (NM_001026213.1).
Identifiers: ClinVar variation 759018 (VCV000759018.11), dbSNP rs150354099, ClinGen allele CA4905544.